The following is an entry in ClinVar:

NM_004006.3(DMD):c.531-10T>A

Gene: DMD (dystrophin; minus strand). Cytogenetic location: Xp21.1.
Variant type: single nucleotide variant.
Coding change: c.531-10T>A on transcript NM_004006.3 (MANE Select); 10 bases into the intron before coding-DNA position 531, T replaced by A.
Molecular consequence: intron variant.
Genome position (GRCh38, 1-based): chrX:32,809,621, A>T on the plus strand (T>A on the coding strand, the complement: DMD is on the minus strand). VCF-style: chrX-32809621-A-T. GRCh37 (hg19) VCF-style: chrX-32827738-A-T.
Other names: c.507-10T>A (NM_000109.4); c.519-10T>A (NM_004009.3); c.162-10T>A (NM_004010.3).
Identifiers: ClinVar variation 597098 (VCV000597098.18), dbSNP rs747522183, ClinGen allele CA913190747.

ClinVar aggregate classification (germline): Conflicting classifications of pathogenicity. Review status: criteria provided, conflicting classifications (1 of 4 stars). 4 submissions from 4 submitters: Likely pathogenic (1); Uncertain significance (3). Last evaluated 2022-05-04.

Conditions:
Becker muscular dystrophy (BMD). Also called: MUSCULAR DYSTROPHY, PSEUDOHYPERTROPHIC PROGRESSIVE, BECKER TYPE; Becker Muscular Dystrophy (BMD). Identifiers: Orphanet 98895, MedGen C0917713, MONDO:0010311, OMIM 300376.
Duchenne muscular dystrophy (DMD). Also called: MUSCULAR DYSTROPHY, PSEUDOHYPERTROPHIC PROGRESSIVE, DUCHENNE TYPE; Duchenne Muscular Dystrophy (DMD). Identifiers: Orphanet 98896, MedGen C0013264, MONDO:0010679, OMIM 310200.

Submissions (4):

Mendelics
Classification: Uncertain significance. Last evaluated: 2022-05-04. Review status: criteria provided, single submitter. Criteria: Mendelics Assertion Criteria 2019. Collection method: clinical testing. Allele origin: germline.

Emory University School of Medicine, Department of Human Genetics, Emory University
Classification: Likely pathogenic for Becker muscular dystrophy. Last evaluated: 2020-12-03. Review status: criteria provided, single submitter. Criteria: ACMG Guidelines, 2015. Collection method: research. Allele origin: germline, not applicable. Inheritance: X-linked recessive inheritance. Affected: yes. Observed: 1 hemizygote. Functional consequence: Variation affecting splicing function of RNA.
Comment: Due to this variant in IVS6, the normal splicing from exon 5 to exon 6 was disrupted due to a possible 163 bp extension of splicing of exon 6 into the IVS6 sequence region. This effect should cause a frameshift of the amino acid sequence and may/may not cause a premature stop codon. This is likely to cause an unstable DMD protein product. This variant is rare in general population [G=0.000016 (3/182902, GnomAD_exome); G=0.00001 (1/86552, ExAC)]. This variant has not been reported in the literature in individuals with DMD-related disease. This variant was reported as a variant of uncertain significance (VUS) in ClinVar previously. We identified also that the DMD mRNA expression is much lower and abnormal but not completely abolished. DMD and Sarcoglycan protein staining were significantly reduced in muscle biopsy immunohistochemistry. This explains the significant reduction of the DMD protein ( but not abolished) and the IVS6 variant can be reclassified as "likely pathogenic". This result, along with the clinical, muscle IHC, and other data provided, is consistent with the variant's effect in DMD-related disease and is suggestive of Becker's muscular dystrophy. In summary, the c.531-10T>A variant meets our criteria per ACMG guidelines upon segregation study, functional evidence to be classified as Likely Pathogenic.

Labcorp Genetics (formerly Invitae), Labcorp
Classification: Uncertain significance for Duchenne muscular dystrophy. Last evaluated: 2018-08-20. Review status: criteria provided, single submitter. Criteria: Invitae Variant Classification Sherloc (09022015). Collection method: clinical testing. Allele origin: germline.
Comment: This sequence change falls in intron 6 of the DMD gene. It does not directly change the encoded amino acid sequence of the DMD protein. This variant is not present in population databases (ExAC no frequency). This variant has not been reported in the literature in individuals with DMD-related disease. Algorithms developed to predict the effect of sequence changes on RNA splicing suggest that this variant may disrupt the consensus splice site, but this prediction has not been confirmed by published transcriptional studies. In summary, the available evidence is currently insufficient to determine the role of this variant in disease. Therefore, it has been classified as a Variant of Uncertain Significance.

Eurofins Ntd Llc (ga)
Classification: Uncertain significance. Last evaluated: 2018-05-09. Review status: criteria provided, single submitter. Criteria: EGL ClinVar v180209 classification definitions. Collection method: clinical testing. Allele origin: germline. Observed: 1 variant allele, 1 hemizygote.